The following is an entry in ClinVar:

NM_183075.3(CYP2U1):c.681C>T (p.Ala227=)

Gene: CYP2U1 (cytochrome P450 family 2 subfamily U member 1; plus strand). Cytogenetic location: 4q25.
Variant type: single nucleotide variant.
Coding change: c.681C>T on transcript NM_183075.3 (MANE Select); coding-DNA position 681, C replaced by T.
Protein change: p.Ala227=; no amino-acid change (alanine 227 retained).
Molecular consequence: synonymous variant.
Genome position (GRCh38, 1-based): chr4:107,945,160, C>T. VCF-style: chr4-107945160-C-T. GRCh37 (hg19) VCF-style: chr4-108866316-C-T.
Identifiers: ClinVar variation 1393168 (VCV001393168.30), dbSNP rs760847189, ClinGen allele CA3037041.

ClinVar aggregate classification (germline): Likely benign. Review status: criteria provided, multiple submitters, no conflicts (2 of 4 stars). 3 submissions from 3 submitters: Likely benign (3). Last evaluated 2024-04-01.

Conditions:
Spastic paraplegia. Identifiers: MedGen C0037772, HP:0001258.

Allele frequency attached by ClinVar (database versions not stated): gnomAD exomes 0.00001; ExAC 0.00002.
gnomAD v4.1: 18 of 1,613,826 alleles (0.0011%); highest among the groups gnomAD compares: Middle Eastern, 0.033%; no homozygotes.

Submissions (3):

CeGaT Center for Human Genetics Tuebingen
Classification: Likely benign. Last evaluated: 2024-04-01. Review status: criteria provided, single submitter. Criteria: CeGaT Center For Human Genetics Tuebingen Variant Classification Criteria Version 2. Collection method: clinical testing. Allele origin: germline. Affected: yes. Observed: 1 variant allele.
Comment: CYP2U1: BP4, BP7

Labcorp Genetics (formerly Invitae), Labcorp
Classification: Likely benign for Spastic paraplegia. Last evaluated: 2021-12-24. Review status: criteria provided, single submitter. Criteria: Invitae Variant Classification Sherloc (09022015). Collection method: clinical testing. Allele origin: germline.

Breakthrough Genomics
Classification: Likely benign. Review status: criteria provided, single submitter. Criteria: ACMG Guidelines, 2015. Collection method: not provided. Allele origin: germline. Inheritance: Autosomal recessive inheritance. Affected: yes.